The following is an entry in ClinVar:

ClinVar aggregate classification (germline): Conflicting classifications of pathogenicity. Review status: criteria provided, conflicting classifications (1 of 4 stars). 2 submissions from 2 submitters: Likely pathogenic (1); Uncertain significance (1). Last evaluated 2025-11-24.

Conditions:
Inborn genetic diseases. Identifiers: MedGen C0950123, MeSH D030342.

Submissions (2):

GeneDx
Classification: Likely pathogenic. Last evaluated: 2025-11-24. Review status: criteria provided, single submitter. Criteria: GeneDx Variant Classification Process June 2021. Collection method: clinical testing. Allele origin: germline. Affected: yes.
Comment: Reported in an individual with a mullerian duct anomaly in published literature (PMID: 35022528); Nonsense variant predicted to result in protein truncation, as the last 39 amino acid(s) are lost, and other loss-of-function variants have been reported downstream in HGMD; Not observed at significant frequency in large population cohorts (gnomAD); This variant is associated with the following publications: (PMID: 35022528)

Ambry Genetics
Classification: Uncertain significance for Inborn genetic diseases. Last evaluated: 2019-03-25. Review status: criteria provided, single submitter. Criteria: Ambry exome assertion method (8-5-2015). Collection method: clinical testing. Allele origin: germline. Affected: yes. Observed: 1 variant allele.

NM_013275.6(ANKRD11):c.7873C>T (p.Gln2625Ter)

Gene: ANKRD11 (ankyrin repeat domain 11; minus strand). Cytogenetic location: 16q24.3.
Variant type: single nucleotide variant.
Coding change: c.7873C>T on transcript NM_013275.6 (MANE Select); coding-DNA position 7873, C replaced by T.
Protein change: p.Gln2625Ter; replaces glutamine 2625 with a stop codon.
Molecular consequence: nonsense.
Genome position (GRCh38, 1-based): chr16:89,268,597, G>A on the plus strand (C>T on the coding strand, the complement: ANKRD11 is on the minus strand). VCF-style: chr16-89268597-G-A. GRCh37 (hg19) VCF-style: chr16-89335005-G-A.
Other names: c.7873C>T, p.Gln2625Ter (NM_001256182.2, NM_001256183.2); short protein forms Q2625*.
Identifiers: ClinVar variation 986142 (VCV000986142.6), dbSNP rs2032836923, ClinGen allele CA397145151.